The following is an entry in ClinVar:

NM_004836.7(EIF2AK3):c.2255G>A (p.Ser752Asn)

Genes: EIF2AK3-AS1 (EIF2AK3 antisense RNA 1; plus strand), EIF2AK3 (eukaryotic translation initiation factor 2 alpha kinase 3; minus strand). Cytogenetic location: 2p11.2.
Variant type: single nucleotide variant.
Coding change: c.2255G>A on transcript NM_004836.7 (MANE Select); coding-DNA position 2255, G replaced by A.
Protein change: p.Ser752Asn; replaces serine 752 with asparagine.
Molecular consequence: missense variant. On other transcripts: non-coding transcript variant (1).
Genome position (GRCh38, 1-based): chr2:88,575,228, C>T on the plus strand (G>A on the coding strand, the complement: EIF2AK3 is on the minus strand). VCF-style: chr2-88575228-C-T. GRCh37 (hg19) VCF-style: chr2-88874746-C-T.
Other names: c.1802G>A, p.Ser601Asn (NM_001313915.2); short protein forms S601N, S752N.
Identifiers: ClinVar variation 1489504 (VCV001489504.4), dbSNP rs376905155, ClinGen allele CA1754476.

ClinVar aggregate classification (germline): Uncertain significance. Review status: criteria provided, multiple submitters, no conflicts (2 of 4 stars). 2 submissions from 2 submitters: Uncertain significance (2). Last evaluated 2024-03-14.

Conditions:
Wolcott-Rallison dysplasia. Also called: Wolcott-Rallison syndrome; MED-IDDM SYNDROME. Identifiers: Orphanet 1667, MedGen C0432217, MONDO:0009192, OMIM 226980.

Allele frequency attached by ClinVar (database versions not stated): gnomAD exomes below 0.00001 and 0.00001; ExAC 0.00001; gnomAD 0.00002; TOPMed 0.00005; ESP Exome Variant Server 0.00008.
gnomAD v4.1: 6 of 1,612,984 alleles (0.00037%); highest among the groups gnomAD compares: African/African-American, 0.004%; no homozygotes.

Submissions (2):

Fulgent Genetics
Classification: Uncertain significance for Wolcott-Rallison dysplasia. Last evaluated: 2024-03-14. Review status: criteria provided, single submitter. Criteria: ACMG Guidelines, 2015. Collection method: clinical testing. Allele origin: germline.

Labcorp Genetics (formerly Invitae), Labcorp
Classification: Uncertain significance. Last evaluated: 2022-09-13. Review status: criteria provided, single submitter. Criteria: Invitae Variant Classification Sherloc (09022015). Collection method: clinical testing. Allele origin: germline.
Comment: This sequence change replaces serine, which is neutral and polar, with asparagine, which is neutral and polar, at codon 752 of the EIF2AK3 protein (p.Ser752Asn). This variant is present in population databases (rs376905155, gnomAD 0.01%). This variant has not been reported in the literature in individuals affected with EIF2AK3-related conditions. ClinVar contains an entry for this variant (Variation ID: 1489504). Algorithms developed to predict the effect of missense changes on protein structure and function (SIFT, PolyPhen-2, Align-GVGD) all suggest that this variant is likely to be tolerated. In summary, the available evidence is currently insufficient to determine the role of this variant in disease. Therefore, it has been classified as a Variant of Uncertain Significance.